The following is an entry in ClinVar:

NM_005909.5(MAP1B):c.7252G>A (p.Val2418Met)

Gene: MAP1B (microtubule associated protein 1B; plus strand). Cytogenetic location: 5q13.2.
Variant type: single nucleotide variant.
Coding change: c.7252G>A on transcript NM_005909.5 (MANE Select); coding-DNA position 7252, G replaced by A.
Protein change: p.Val2418Met; replaces valine 2418 with methionine.
Molecular consequence: missense variant.
Genome position (GRCh38, 1-based): chr5:72,205,084, G>A. VCF-style: chr5-72205084-G-A. GRCh37 (hg19) VCF-style: chr5-71500911-G-A.
Other names: c.6874G>A, p.Val2292Met (NM_001324255.2); short protein forms V2292M, V2418M.
Identifiers: ClinVar variation 5019448 (VCV005019448.2).

ClinVar aggregate classification (germline): Uncertain significance (1 of 4 stars; one submission).

Conditions:
Periventricular nodular heterotopia 9. Identifiers: MedGen C5394503, MONDO:0030061, OMIM 618918.
Hearing loss, autosomal dominant 83. Also called: Deafness, autosomal dominant 83. Identifiers: MedGen C5676951, MONDO:0030723, OMIM 619808.

gnomAD v4.1: 1 of 1,605,714 alleles (0.000062%); highest among the groups gnomAD compares: Non-Finnish European, 0.000085%; no homozygotes.

Submission:

Juno Genomics, Hangzhou Juno Genomics, Inc
Classification: Uncertain significance for Hearing loss, autosomal dominant 83; Periventricular nodular heterotopia 9. Review status: criteria provided, single submitter. Criteria: ACMG Guidelines, 2015. Collection method: clinical testing. Allele origin: germline.
Comment: Absent from controls (or at extremely low frequency if recessive) in Genome Aggregation Database.;Multiple lines of computational evidence support a deleterious effect on the gene or gene product.;Missense variant in a gene that has a low rate of benign missense variation.